The following is an entry in ClinVar:

NM_001035.3(RYR2):c.740T>A (p.Val247Asp)

Gene: RYR2 (ryanodine receptor 2; plus strand). Cytogenetic location: 1q43.
Variant type: single nucleotide variant.
Coding change: c.740T>A on transcript NM_001035.3 (MANE Select); coding-DNA position 740, T replaced by A.
Protein change: p.Val247Asp; replaces valine 247 with aspartic acid.
Molecular consequence: missense variant.
Genome position (GRCh38, 1-based): chr1:237,388,150, T>A. VCF-style: chr1-237388150-T-A. GRCh37 (hg19) VCF-style: chr1-237551450-T-A.
Other names: short protein forms V247D.
Identifiers: ClinVar variation 3073139 (VCV003073139.2), dbSNP rs1446510080, ClinGen allele CA345378364.

ClinVar aggregate classification (germline): Uncertain significance. Review status: criteria provided, multiple submitters, no conflicts (2 of 4 stars). 2 submissions from 2 submitters: Uncertain significance (2). Last evaluated 2025-07-20.

Conditions:
Cardiomyopathy (CMYO). Also called: Cardiomyopathies. Identifiers: Orphanet 167848, MedGen C0878544, MONDO:0004994, HP:0001638. Inheritance: Various modes of inheritance.
Catecholaminergic polymorphic ventricular tachycardia (CVPT). Also called: Catecholamine-induced polymorphic ventricular tachycardia. Identifiers: Orphanet 3286, MedGen C5574922, MONDO:0017990.

Allele frequency attached by ClinVar (database versions not stated): gnomAD exomes 0.00001.
gnomAD v4.1: 7 of 1,613,952 alleles (0.00043%); highest among the groups gnomAD compares: Non-Finnish European, 0.000085%; no homozygotes.

Submissions (2):

Color Diagnostics, LLC DBA Color Health
Classification: Uncertain significance for Cardiomyopathy. Last evaluated: 2025-07-20. Review status: criteria provided, single submitter. Criteria: ACMG Guidelines, 2015. Collection method: clinical testing. Allele origin: germline.
Comment: This missense variant replaces valine with aspartic acid at codon 247 of the RYR2 protein. Computational prediction suggests that this variant may have deleterious impact on protein structure and function. To our knowledge, functional studies have not been reported for this variant. This variant has not been reported in individuals affected with RYR2-related disorders in the literature. This variant has been identified in 1/249040 chromosomes in the general population by the Genome Aggregation Database (gnomAD). The available evidence is insufficient to determine the role of this variant in disease conclusively. Therefore, this variant is classified as a Variant of Uncertain Significance.

All of Us Research Program, National Institutes of Health
Classification: Uncertain significance for Catecholaminergic polymorphic ventricular tachycardia. Last evaluated: 2023-11-30. Review status: criteria provided, single submitter. Criteria: ACMG Guidelines, 2015. Collection method: clinical testing. Allele origin: germline. Inheritance: Autosomal dominant inheritance. Observed: 1 variant allele, 1 heterozygote.
Comment: This study involves interpretation of variants in research participants for the purpose of population health screening. Participant phenotype was not available at the time of variant classification. Additional details can be found in publication PMID: 35346344, PMCID: PMC8962531